The following is an entry in ClinVar:

NM_001193313.2(SUGCT):c.313-14T>A

Gene: SUGCT (succinyl-CoA:glutarate-CoA transferase; plus strand). Cytogenetic location: 7p14.1.
Variant type: single nucleotide variant.
Coding change: c.313-14T>A on transcript NM_001193313.2 (MANE Select); 14 bases into the intron before coding-DNA position 313, T replaced by A.
Molecular consequence: intron variant.
Genome position (GRCh38, 1-based): chr7:40,189,530, T>A. VCF-style: chr7-40189530-T-A. GRCh37 (hg19) VCF-style: chr7-40229129-T-A.
Other names: c.334-14T>A (NM_024728.2); c.313-14T>A (NM_001193311.2, NM_001193312.2, NM_024728.3).
Identifiers: ClinVar variation 1653709 (VCV001653709.9), dbSNP rs57321637, ClinGen allele CA4229433.

ClinVar aggregate classification (germline): Benign/Likely benign. Review status: criteria provided, multiple submitters, no conflicts (2 of 4 stars). 2 submissions from 2 submitters: Benign (1); Likely benign (1). Last evaluated 2026-01-04.

Allele frequency attached by ClinVar (database versions not stated): ESP Exome Variant Server 0.00162; gnomAD exomes 0.00185 and 0.00229; ExAC 0.00326; gnomAD 0.01414 and 0.01503; 1000 Genomes Project 0.01458; 1000 Genomes Project 30x 0.01515; TOPMed 0.01624.
gnomAD v4.1: 3,711 of 979,136 alleles (0.38%); highest among the groups gnomAD compares: African/African-American, 4.4%; 56 homozygotes.

Submissions (2):

Labcorp Genetics (formerly Invitae), Labcorp
Classification: Benign. Last evaluated: 2026-01-04. Review status: criteria provided, single submitter. Criteria: Invitae Variant Classification Sherloc (09022015). Collection method: clinical testing. Allele origin: germline.

Mayo Clinic Laboratories, Mayo Clinic
Classification: Likely benign. Last evaluated: 2022-07-13. Review status: criteria provided, single submitter. Criteria: ACMG Guidelines, 2015. Collection method: clinical testing. Allele origin: germline. Observed: 1 variant allele.
Comment: BS1